The following is an entry in ClinVar:

NM_000388.4(CASR):c.508T>C (p.Ser170Pro)

Gene: CASR (calcium sensing receptor; plus strand). Cytogenetic location: 3q21.1.
Variant type: single nucleotide variant.
Coding change: c.508T>C on transcript NM_000388.4 (MANE Select); coding-DNA position 508, T replaced by C.
Protein change: p.Ser170Pro; replaces serine 170 with proline.
Molecular consequence: missense variant.
Genome position (GRCh38, 1-based): chr3:122,261,543, T>C. VCF-style: chr3-122261543-T-C. GRCh37 (hg19) VCF-style: chr3-121980390-T-C.
Other names: c.508T>C, p.Ser170Pro (NM_001178065.2); short protein forms S170P.
Identifiers: ClinVar variation 410363 (VCV000410363.1), dbSNP rs1060502862, ClinGen allele CA16611081.

ClinVar aggregate classification (germline): Uncertain significance (1 of 4 stars; one submission).

Conditions:
Autosomal dominant hypocalcemia 1 (HYPOC1). Also called: HYPOCALCEMIA, FAMILIAL. Identifiers: MedGen C3715128, MONDO:0011013, OMIM 601198.
Familial hypocalciuric hypercalcemia 1. Also called: Hypercalcemia, familial benign type 1. Identifiers: Orphanet 405, Orphanet 93372, MedGen C0342637, MONDO:0007791, OMIM 145980.

Submission:

Labcorp Genetics (formerly Invitae), Labcorp
Classification: Uncertain significance for Familial hypocalciuric hypercalcemia; Autosomal dominant hypocalcemia 1. Last evaluated: 2016-06-24. Review status: criteria provided, single submitter. Criteria: Invitae Variant Classification Sherloc (09022015). Collection method: clinical testing. Allele origin: germline.
Comment: This sequence change replaces serine with proline at codon 170 of the CASR protein (p.Ser170Pro). The serine residue is highly conserved and there is a moderate physicochemical difference between serine and proline. This variant is not present in population databases (ExAC no frequency) and has not been reported in the literature in individuals with a CASR-related disease. Algorithms developed to predict the effect of missense changes on protein structure and function (SIFT, PolyPhen-2, Align-GVGD) all suggest that this variant is likely to be disruptive, but these predictions have not been confirmed by published functional studies. In summary, this variant is a novel missense change with uncertain impact on protein function. It has been classified as a Variant of Uncertain Significance.